The following continues an entry in ClinVar:

NM_000492.4(CFTR):c.1021_1022dup (p.Phe342fs)

Gene: CFTR. ClinVar aggregate classification (germline): Pathogenic. Pathogenic (1).

Submissions 11 to 22 of 22:

Mayo Clinic Laboratories, Mayo Clinic
Classification: Pathogenic. Last evaluated: 2022-06-28. Review status: criteria provided, single submitter. Criteria: ACMG Guidelines, 2015. Collection method: clinical testing. Allele origin: germline. Observed: 5 variant alleles. Not counted in ClinVar's aggregate classification.
Comment: PP5, PM2, PVS1

Blueprint Genetics
Classification: Pathogenic for CFTR-related disorders. Last evaluated: 2022-03-23. Review status: criteria provided, single submitter. Criteria: ACMG Guidelines, 2015. Collection method: clinical testing. Allele origin: germline. Affected: yes. Observed: 4 variant alleles. Not counted in ClinVar's aggregate classification.

Johns Hopkins Genomics, Johns Hopkins University
Classification: Pathogenic for Cystic fibrosis. Last evaluated: 2021-04-23. Review status: criteria provided, single submitter. Criteria: ACMG Guidelines, 2015. Collection method: clinical testing. Allele origin: germline. Not counted in ClinVar's aggregate classification.
Comment: Disease-causing CFTR variant. See CFTR2 for phenotype information.

Quest Diagnostics Nichols Institute San Juan Capistrano
Classification: Pathogenic. Last evaluated: 2021-02-09. Review status: criteria provided, single submitter. Criteria: Quest Diagnostics criteria. Collection method: clinical testing. Allele origin: unknown. Not counted in ClinVar's aggregate classification.
Comment: This frameshift variant causes the premature termination of CFTR protein synthesis. In addition, it has been reported in individuals affected with Cystic Fibrosis in the published literature (PMID: 7550243 (1995), 26708955 (2016), 23974870 (2013), 22658665 (2012), 1990834 (1991), 12865275 (2003)). Therefore, the variant is classified as pathogenic.

Genome Diagnostics Laboratory, The Hospital for Sick Children
Classification: Pathogenic for Cystic fibrosis. Last evaluated: 2019-07-09. Review status: criteria provided, single submitter. Criteria: ACMG Guidelines, 2015. Collection method: clinical testing. Allele origin: germline. Not counted in ClinVar's aggregate classification.

Clinical Genetics and Genomics, Karolinska University Hospital
Classification: Pathogenic. Last evaluated: 2017-06-15. Review status: criteria provided, single submitter. Criteria: ACMG Guidelines, 2015. Collection method: clinical testing. Allele origin: germline. Affected: yes. Observed: 1 variant allele. Not counted in ClinVar's aggregate classification.

HudsonAlpha Institute for Biotechnology
Classification: Pathogenic for Cystic fibrosis. Last evaluated: 2015-06-01. Review status: criteria provided, single submitter. Criteria: HA_assertions_20150911. Collection method: research. Allele origin: unknown, maternal. Observed: 2 variant alleles. Study: CSER-HudsonAlpha. Not counted in ClinVar's aggregate classification.

Eurofins Ntd Llc (ga)
Classification: Pathogenic. Last evaluated: 2014-07-10. Review status: criteria provided, single submitter. Criteria: EGL Classification Definitions 2015. Collection method: clinical testing. Allele origin: germline. Observed: 3 variant alleles, 3 heterozygotes. Not counted in ClinVar's aggregate classification.

Baylor Genetics
Classification: Pathogenic for Congenital bilateral aplasia of vas deferens from CFTR mutation; Cystic fibrosis. Review status: criteria provided, single submitter. Criteria: ACMG Guidelines, 2015. Collection method: clinical testing. Allele origin: germline. Not counted in ClinVar's aggregate classification.

Genome Diagnostics Laboratory, The Hospital for Sick Children
Classification: Pathogenic for CFTR-related disorders. Last evaluated: 2019-07-09. Review status: no assertion criteria provided. Collection method: clinical testing. Allele origin: germline. Not counted in ClinVar's aggregate classification.

Counsyl
Classification: Pathogenic for Cystic fibrosis. Last evaluated: 2015-10-09. Review status: no assertion criteria provided. Collection method: clinical testing. Allele origin: unknown. Not counted in ClinVar's aggregate classification.

OMIM
Classification: Pathogenic for CYSTIC FIBROSIS. Last evaluated: 2003-07-15. Review status: no assertion criteria provided. Collection method: literature only. Allele origin: germline. Not counted in ClinVar's aggregate classification.

Literature cited by the submitters: PubMed 1695717 (cited by Labcorp Genetics (formerly Invitae), Labcorp); PubMed 7691345 (cited by Labcorp Genetics (formerly Invitae), Labcorp); PubMed 9725922 (cited by Labcorp Genetics (formerly Invitae), Labcorp); PubMed 1990834 (cited by 5 submitters); PubMed 12865275 (cited by 3 submitters); PubMed 23974870 (cited by 4 submitters); PubMed 7472820 (cited by Natera, Inc.); PubMed 12833419 (cited by 3 submitters); PubMed 7550243 (cited by 3 submitters); PubMed 7543317 (cited by Women's Health and Genetics/Laboratory Corporation of America, LabCorp); PubMed 21796730 (cited by Quest Diagnostics Nichols Institute San Juan Capistrano); PubMed 31036917 (cited by Quest Diagnostics Nichols Institute San Juan Capistrano); PubMed 18456578 (cited by Quest Diagnostics Nichols Institute San Juan Capistrano); PubMed 22658665 (cited by Quest Diagnostics Nichols Institute San Juan Capistrano); PubMed 26708955 (cited by Quest Diagnostics Nichols Institute San Juan Capistrano).